The following is an entry in ClinVar:

ClinVar aggregate classification (germline): Uncertain significance (1 of 4 stars; one submission).

Submission:

Labcorp Genetics (formerly Invitae), Labcorp
Classification: Uncertain significance. Last evaluated: 2025-08-15. Review status: criteria provided, single submitter. Criteria: Invitae Variant Classification Sherloc (09022015). Collection method: clinical testing. Allele origin: germline.
Comment: This sequence change falls in intron 10 of the ADGRE2 gene. It does not directly change the encoded amino acid sequence of the ADGRE2 protein. Information on the frequency of this variant in the gnomAD database is not available, as this variant may be reported differently in the database. This variant has not been reported in the literature in individuals affected with ADGRE2-related conditions. Experimental studies and prediction algorithms are not available or were not evaluated, and the effect of this variant on mRNA splicing is currently unknown. In summary, the available evidence is currently insufficient to determine the role of this variant in disease. Therefore, it has been classified as a Variant of Uncertain Significance.

NM_013447.4(ADGRE2):c.907-7_907-6delinsTT

Gene: ADGRE2 (adhesion G protein-coupled receptor E2; minus strand). Cytogenetic location: 19p13.12.
Variant type: Indel.
Coding change: c.907-7_907-6delinsTT on transcript NM_013447.4 (MANE Select); 7 bases into the intron before coding-DNA position 907 through 6 bases into the intron before coding-DNA position 907, CC replaced by TT.
Molecular consequence: intron variant.
Genome position (GRCh38, 1-based): chr19:14,764,616-14,764,617, GG replaced by AA on the plus strand (CC replaced by TT on the coding strand, the reverse complement: ADGRE2 is on the minus strand). VCF-style: chr19-14764616-GG-AA. GRCh37 (hg19) VCF-style: chr19-14875428-GG-AA.
Other names: c.628-7_628-6delinsTT (NM_152917.2); c.760-7_760-6delinsTT (NM_152916.2); c.907-7_907-6delinsTT (NM_001271052.1).
Identifiers: ClinVar variation 4693915 (VCV004693915.1).
Genomic context (GRCh38, chr19:14,764,616, plus strand): 5'-GGGTCTCCAGGTCCCCAGGGGCCTCCAGCAGCTCATCCAGCGCCTGTAAGATGCTCTGGA[GG>AA]GATGTGGACACAGACCTAGTGAGCCATGGGCCAGAGGGCCCGCATGAAGACTCCAACCGC-3'